The following is an entry in ClinVar:

NM_003128.3(SPTBN1):c.6876+1G>A

Genes: SPTBN1 (spectrin beta, non-erythrocytic 1; plus strand), SPTBN1-AS2 (SPTBN1 antisense RNA 2; minus strand). Cytogenetic location: 2p16.2.
Variant type: single nucleotide variant.
Coding change: c.6876+1G>A on transcript NM_003128.3 (MANE Select); the canonical splice donor site of the intron after coding-DNA position 6876, G replaced by A.
Molecular consequence: splice donor variant.
Genome position (GRCh38, 1-based): chr2:54,667,647, G>A. VCF-style: chr2-54667647-G-A. GRCh37 (hg19) VCF-style: chr2-54894784-G-A.
Identifiers: ClinVar variation 4536471 (VCV004536471.1).

ClinVar aggregate classification (germline): Uncertain significance (1 of 4 stars; one submission).

gnomAD v4.1: 2 of 1,613,684 alleles (0.00012%); highest among the groups gnomAD compares: African/African-American, 0.0013%; no homozygotes.

Submission:

GeneDx
Classification: Uncertain significance. Last evaluated: 2025-06-03. Review status: criteria provided, single submitter. Criteria: GeneDx Variant Classification Process June 2021. Collection method: clinical testing. Allele origin: germline. Affected: yes.
Comment: Canonical splice site variant predicted to result in a null allele in a gene for which loss of function is a known mechanism of disease; Has not been previously published as pathogenic or benign to our knowledge